The following is an entry in ClinVar:

ClinVar aggregate classification (germline): Uncertain significance. Review status: criteria provided, multiple submitters, no conflicts (2 of 4 stars). 4 submissions from 4 submitters: Uncertain significance (4). Last evaluated 2025-07-29.

Conditions:
Bloom syndrome (BLM). Also called: Bloom-Torre-Machacek syndrome. Identifiers: Orphanet 125, MedGen C0005859, MONDO:0008876, OMIM 210900.
Hereditary cancer-predisposing syndrome. Also called: Neoplastic Syndromes, Hereditary; Hereditary neoplastic syndrome; Tumor predisposition; Hereditary Cancer Syndrome. Identifiers: Orphanet 140162, MedGen C0027672, MeSH D009386, MONDO:0015356.

Allele frequency attached by ClinVar (database versions not stated): TOPMed below 0.00001; gnomAD 0.00001; ExAC 0.00003.
gnomAD v4.1: 14 of 1,608,378 alleles (0.00087%); highest among the groups gnomAD compares: East Asian, 0.031%; no homozygotes.

Submissions (4):

Labcorp Genetics (formerly Invitae), Labcorp
Classification: Uncertain significance for Bloom syndrome. Last evaluated: 2025-07-29. Review status: criteria provided, single submitter. Criteria: Invitae Variant Classification Sherloc (09022015). Collection method: clinical testing. Allele origin: germline.
Comment: This sequence change replaces histidine, which is basic and polar, with asparagine, which is neutral and polar, at codon 886 of the BLM protein (p.His886Asn). This variant is present in population databases (rs765636566, gnomAD 0.04%). This variant has not been reported in the literature in individuals affected with BLM-related conditions. ClinVar contains an entry for this variant (Variation ID: 524759). Invitae Evidence Modeling of protein sequence and biophysical properties (such as structural, functional, and spatial information, amino acid conservation, physicochemical variation, residue mobility, and thermodynamic stability) indicates that this missense variant is expected to disrupt BLM protein function with a positive predictive value of 80%. In summary, the available evidence is currently insufficient to determine the role of this variant in disease. Therefore, it has been classified as a Variant of Uncertain Significance.

GeneDx
Classification: Uncertain significance. Last evaluated: 2024-05-07. Review status: criteria provided, single submitter. Criteria: GeneDx Variant Classification Process June 2021. Collection method: clinical testing. Allele origin: germline. Affected: yes.
Comment: In silico analysis supports that this missense variant has a deleterious effect on protein structure/function; Has not been previously published as pathogenic or benign to our knowledge

Ambry Genetics
Classification: Uncertain significance for Hereditary cancer-predisposing syndrome. Last evaluated: 2024-03-28. Review status: criteria provided, single submitter. Criteria: Ambry Variant Classification Scheme 2023. Collection method: clinical testing. Allele origin: germline.
Comment: The p.H886N variant (also known as c.2656C>A), located in coding exon 12 of the BLM gene, results from a C to A substitution at nucleotide position 2656. The histidine at codon 886 is replaced by asparagine, an amino acid with similar properties. This amino acid position is not well conserved in available vertebrate species. In addition, this alteration is predicted to be tolerated by in silico analysis. Since supporting evidence is limited at this time, the clinical significance of this alteration remains unclear.

Fulgent Genetics
Classification: Uncertain significance for Bloom syndrome. Last evaluated: 2024-01-06. Review status: criteria provided, single submitter. Criteria: ACMG Guidelines, 2015. Collection method: clinical testing. Allele origin: germline.

NM_000057.4(BLM):c.2656C>A (p.His886Asn)

Gene: BLM (BLM RecQ like helicase; plus strand). Cytogenetic location: 15q26.1.
Variant type: single nucleotide variant.
Coding change: c.2656C>A on transcript NM_000057.4 (MANE Select); coding-DNA position 2656, C replaced by A.
Protein change: p.His886Asn; replaces histidine 886 with asparagine.
Molecular consequence: missense variant.
Genome position (GRCh38, 1-based): chr15:90,782,922, C>A. VCF-style: chr15-90782922-C-A. GRCh37 (hg19) VCF-style: chr15-91326152-C-A.
Other names: c.2656C>A, p.His886Asn (NM_001287246.2, NM_001287247.2); c.1531C>A, p.His511Asn (NM_001287248.2); short protein forms H886N, H511N.
Identifiers: ClinVar variation 524759 (VCV000524759.11), dbSNP rs765636566, ClinGen allele CA7738834.